The following is an entry in ClinVar:

NM_207352.4(CYP4V2):c.206A>T (p.Asp69Val)

Gene: CYP4V2 (cytochrome P450 family 4 subfamily V member 2; plus strand). Cytogenetic location: 4q35.1.
Variant type: single nucleotide variant.
Coding change: c.206A>T on transcript NM_207352.4 (MANE Select); coding-DNA position 206, A replaced by T.
Protein change: p.Asp69Val; replaces aspartic acid 69 with valine.
Molecular consequence: missense variant.
Genome position (GRCh38, 1-based): chr4:186,192,029, A>T. VCF-style: chr4-186192029-A-T. GRCh37 (hg19) VCF-style: chr4-187113183-A-T.
Other names: short protein forms D69V.
Identifiers: ClinVar variation 1488574 (VCV001488574.6), dbSNP rs2126578807, ClinGen allele CA358946765.
Genomic context (GRCh38, chr4:186,192,029, plus strand): 5'-CCATCCCCACGGTGGCCCGCGCCTACCCACTGGTGGGCCACGCGCTGCTGATGAAGCCGG[A>T]CGGGCGAGGTAAGGGCCGGCGCTCCTCCTGGAGCGCAACGGGGTCCGCAGCCCCGTTCCC-3'
Protein context (NP_997235.3, residues 59-79): LVGHALLMKP[Asp69Val]GREFFQQIIE

ClinVar aggregate classification (germline): Uncertain significance (1 of 4 stars; one submission).

Submission:

Labcorp Genetics (formerly Invitae), Labcorp
Classification: Uncertain significance. Last evaluated: 2024-02-24. Review status: criteria provided, single submitter. Criteria: Invitae Variant Classification Sherloc (09022015). Collection method: clinical testing. Allele origin: germline.
Comment: This sequence change replaces aspartic acid, which is acidic and polar, with valine, which is neutral and non-polar, at codon 69 of the CYP4V2 protein (p.Asp69Val). This variant is not present in population databases (gnomAD no frequency). This variant has not been reported in the literature in individuals affected with CYP4V2-related conditions. ClinVar contains an entry for this variant (Variation ID: 1488574). Advanced modeling of protein sequence and biophysical properties (such as structural, functional, and spatial information, amino acid conservation, physicochemical variation, residue mobility, and thermodynamic stability) performed at Invitae indicates that this missense variant is not expected to disrupt CYP4V2 protein function with a negative predictive value of 80%. In summary, the available evidence is currently insufficient to determine the role of this variant in disease. Therefore, it has been classified as a Variant of Uncertain Significance.